The following is an entry in ClinVar:

ClinVar aggregate classification (germline): Uncertain significance. Review status: criteria provided, multiple submitters, no conflicts (2 of 4 stars). 2 submissions from 2 submitters: Uncertain significance (2). Last evaluated 2025-09-29.

Conditions:
Ataxia-telangiectasia syndrome (AT). Also called: AT, COMPLEMENTATION GROUP C; Ataxia telangiectasia (A-T); LOUIS-BAR SYNDROME; Cerebello-oculocutaneous telangiectasia; Immunodeficiency with ataxia telangiectasia; Ataxia-telangiectasia, complementation group D. Identifiers: Orphanet 100, MedGen C0004135, MONDO:0008840, OMIM 208900.
Hereditary cancer-predisposing syndrome. Also called: Neoplastic Syndromes, Hereditary; Hereditary Cancer Syndrome; Hereditary neoplastic syndrome; Tumor predisposition. Identifiers: Orphanet 140162, MedGen C0027672, MeSH D009386, MONDO:0015356.

gnomAD v4.1: 1 of 1,613,214 alleles (0.000062%); highest among the groups gnomAD compares: South Asian, 0.0011%; no homozygotes.

Submissions (2):

Ambry Genetics
Classification: Uncertain significance for Hereditary cancer-predisposing syndrome. Last evaluated: 2025-09-29. Review status: criteria provided, single submitter. Criteria: Ambry Variant Classification Scheme 2023. Collection method: clinical testing. Allele origin: germline.
Comment: The p.R1106K variant (also known as c.3317G>A), located in coding exon 22 of the ATM gene, results from a G to A substitution at nucleotide position 3317. The arginine at codon 1106 is replaced by lysine, an amino acid with highly similar properties. This amino acid position is conserved. In addition, this alteration is predicted to be tolerated by in silico analysis. Based on the available evidence, the clinical significance of this variant remains unclear.

Labcorp Genetics (formerly Invitae), Labcorp
Classification: Uncertain significance for Ataxia-telangiectasia syndrome. Last evaluated: 2022-09-27. Review status: criteria provided, single submitter. Criteria: Invitae Variant Classification Sherloc (09022015). Collection method: clinical testing. Allele origin: germline.
Comment: In summary, the available evidence is currently insufficient to determine the role of this variant in disease. Therefore, it has been classified as a Variant of Uncertain Significance. Algorithms developed to predict the effect of missense changes on protein structure and function (SIFT, PolyPhen-2, Align-GVGD) all suggest that this variant is likely to be tolerated. This variant has not been reported in the literature in individuals affected with ATM-related conditions. This variant is not present in population databases (gnomAD no frequency). This sequence change replaces arginine, which is basic and polar, with lysine, which is basic and polar, at codon 1106 of the ATM protein (p.Arg1106Lys).

NM_000051.4(ATM):c.3317G>A (p.Arg1106Lys)

Gene: ATM (ATM serine/threonine kinase; plus strand). Cytogenetic location: 11q22.3.
Variant type: single nucleotide variant.
Coding change: c.3317G>A on transcript NM_000051.4 (MANE Select); coding-DNA position 3317, G replaced by A.
Protein change: p.Arg1106Lys; replaces arginine 1106 with lysine.
Molecular consequence: missense variant.
Genome position (GRCh38, 1-based): chr11:108,279,523, G>A. VCF-style: chr11-108279523-G-A. GRCh37 (hg19) VCF-style: chr11-108150250-G-A.
Other names: c.3317G>A, p.Arg1106Lys (NM_001351834.2); short protein forms R1106K.
Identifiers: ClinVar variation 2157825 (VCV002157825.5), dbSNP rs2082117047, ClinGen allele CA382517461.